The following is an entry in ClinVar:

NM_172107.4(KCNQ2):c.1898T>C (p.Met633Thr)

Gene: KCNQ2 (potassium voltage-gated channel subfamily Q member 2; minus strand). Cytogenetic location: 20q13.33.
Variant type: single nucleotide variant.
Coding change: c.1898T>C on transcript NM_172107.4 (MANE Select); coding-DNA position 1898, T replaced by C.
Protein change: p.Met633Thr; replaces methionine 633 with threonine.
Molecular consequence: missense variant.
Genome position (GRCh38, 1-based): chr20:63,407,365, A>G on the plus strand (T>C on the coding strand, the complement: KCNQ2 is on the minus strand). VCF-style: chr20-63407365-A-G. GRCh37 (hg19) VCF-style: chr20-62038718-A-G.
Other names: c.1814T>C, p.Met605Thr (NM_004518.6); c.1844T>C, p.Met615Thr (NM_172106.3); c.1805T>C, p.Met602Thr (NM_172108.5); short protein forms M602T, M633T, M605T, M615T.
Identifiers: ClinVar variation 646001 (VCV000646001.10), dbSNP rs777332271, ClinGen allele CA9958202.

ClinVar aggregate classification (germline): Conflicting classifications of pathogenicity. Review status: criteria provided, conflicting classifications (1 of 4 stars). 3 submissions from 3 submitters: Uncertain significance (2); Likely benign (1). Last evaluated 2024-04-01.

Conditions:
Seizures, benign familial neonatal, 1. Also called: Benign Neonatal Epilepsy 1; KCNQ2-Related Benign Familial Neonatal Epilepsy; KCNQ2-Related Self-Limited Familial Neonatal Epilepsy (SLFNE); Seizures, benign neonatal, 1. Identifiers: Orphanet 1949, MedGen C3149074, MONDO:0007365, OMIM 121200.
Developmental and epileptic encephalopathy, 7 (DEE7). Also called: Early infantile epileptic encephalopathy 7; KCNQ2-Related Neonatal Epileptic Encephalopathy; KCNQ2-Related Neonatal-Onset Developmental and Epileptic Encephalopathy (NEO-DEE). Identifiers: Orphanet 439218, MedGen C3150986, MONDO:0013387, OMIM 613720.
Inborn genetic diseases. Identifiers: MedGen C0950123, MeSH D030342.
Early-infantile DEE. Also called: Early infantile epileptic encephalopathy with suppression bursts; Ohtahara syndrome; Early infantile epileptic encephalopathy. Identifiers: Orphanet 1934, MedGen C0393706, MONDO:0800491.

Allele frequency attached by ClinVar (database versions not stated): gnomAD exomes below 0.00001 and 0.00002; gnomAD 0.00001; TOPMed 0.00001; ExAC 0.00003.
gnomAD v4.1: 6 of 1,597,624 alleles (0.00038%); highest among the groups gnomAD compares: East Asian, 0.0067%; no homozygotes.

Submissions (3):

Labcorp Genetics (formerly Invitae), Labcorp
Classification: Uncertain significance for Early-infantile DEE. Last evaluated: 2024-04-01. Review status: criteria provided, single submitter. Criteria: Invitae Variant Classification Sherloc (09022015). Collection method: clinical testing. Allele origin: germline.
Comment: This sequence change replaces methionine, which is neutral and non-polar, with threonine, which is neutral and polar, at codon 633 of the KCNQ2 protein (p.Met633Thr). This variant is present in population databases (rs777332271, gnomAD 0.02%). This variant has not been reported in the literature in individuals affected with KCNQ2-related conditions. ClinVar contains an entry for this variant (Variation ID: 646001). An algorithm developed to predict the effect of missense changes on protein structure and function (PolyPhen-2) suggests that this variant is likely to be disruptive. In summary, the available evidence is currently insufficient to determine the role of this variant in disease. Therefore, it has been classified as a Variant of Uncertain Significance.

Ambry Genetics
Classification: Likely benign for Inborn genetic diseases. Last evaluated: 2023-02-28. Review status: criteria provided, single submitter. Criteria: Ambry Variant Classification Scheme 2023. Collection method: clinical testing. Allele origin: germline.

Juno Genomics, Hangzhou Juno Genomics, Inc
Classification: Uncertain significance for Developmental and epileptic encephalopathy, 7; Seizures, benign familial neonatal, 1. Review status: criteria provided, single submitter. Criteria: ACMG Guidelines, 2015. Collection method: clinical testing. Allele origin: germline.
Comment: Absent from controls (or at extremely low frequency if recessive) in Genome Aggregation Database.;Multiple lines of computational evidence support a deleterious effect on the gene or gene product.